The following is an entry in ClinVar:

ClinVar aggregate classification (germline): Conflicting classifications of pathogenicity. Review status: criteria provided, conflicting classifications (1 of 4 stars). 4 submissions from 4 submitters: Uncertain significance (1); Likely benign (2). 1 of the submissions does not count toward it. Last evaluated 2025-10-29.

Conditions:
SLC7A9-related disorder. Also called: SLC7A9-related condition.
Cystinuria (CSNU). Also called: Cystinuria, non-type I; CYSTINURIA, TYPE I; CYSTINURIA, TYPE II; CYSTINURIA, TYPE III. Identifiers: Orphanet 214, MedGen C0010691, MONDO:0009067, OMIM 220100, HP:0003131.

Allele frequency attached by ClinVar (database versions not stated): 1000 Genomes Project 30x 0.00016; 1000 Genomes Project 0.00020; ESP Exome Variant Server 0.00023; ExAC 0.00025; gnomAD exomes 0.00029; TOPMed 0.00029; gnomAD 0.00038 and 0.00040.
gnomAD v4.1: 772 of 1,614,152 alleles (0.048%); highest among the groups gnomAD compares: Non-Finnish European, 0.062%; 1 homozygote.

Submissions (4):

Labcorp Genetics (formerly Invitae), Labcorp
Classification: Likely benign. Last evaluated: 2025-10-29. Review status: criteria provided, single submitter. Criteria: Invitae Variant Classification Sherloc (09022015). Collection method: clinical testing. Allele origin: germline.

Blueprint Genetics
Classification: Likely benign. Last evaluated: 2024-08-26. Review status: criteria provided, single submitter. Criteria: ACMG Guidelines, 2015. Collection method: clinical testing. Allele origin: germline.

Illumina Laboratory Services, Illumina
Classification: Uncertain significance for Cystinuria. Last evaluated: 2018-01-13. Review status: criteria provided, single submitter. Criteria: ICSL Variant Classification Criteria 13 December 2019. Collection method: clinical testing. Allele origin: germline.

PreventionGenetics, part of Exact Sciences
Classification: Likely benign for SLC7A9-related condition. Last evaluated: 2020-02-24. Review status: no assertion criteria provided. Collection method: clinical testing. Allele origin: germline. Not counted in ClinVar's aggregate classification.
Comment: This variant is classified as likely benign based on ACMG/AMP sequence variant interpretation guidelines (Richards et al. 2015 PMID: 25741868, with internal and published modifications).

NM_014270.5(SLC7A9):c.183T>A (p.Ala61=)

Gene: SLC7A9 (solute carrier family 7 member 9; minus strand). Cytogenetic location: 19q13.11.
Variant type: single nucleotide variant.
Coding change: c.183T>A on transcript NM_014270.5 (MANE Select); coding-DNA position 183, T replaced by A.
Protein change: p.Ala61=; no amino-acid change (alanine 61 retained).
Molecular consequence: synonymous variant.
Genome position (GRCh38, 1-based): chr19:32,864,681, A>T on the plus strand (T>A on the coding strand, the complement: SLC7A9 is on the minus strand). VCF-style: chr19-32864681-A-T. GRCh37 (hg19) VCF-style: chr19-33355587-A-T.
Other names: c.183T>A, p.Ala61= (NM_001126335.2, NM_001243036.2).
Identifiers: ClinVar variation 328767 (VCV000328767.16), dbSNP rs142721539, ClinGen allele CA9358927.
Genomic context (GRCh38, chr19:32,864,681, plus strand): 5'-CTCTTTACCCAGCGTCGCGAGGACCCCGCAAGCCGCCCATATGATGAGGCAGGGCCCCAC[A>T]GCTTCCGTGTTGCTGAGCACAGACTTGGGGGAAACGAAGATCCCAGAGCCAATGATGGTG-3'
Protein context (NP_055085.1, residues 51-71): SPKSVLSNTE[Ala61=]VGPCLIIWAA